The following is an entry in ClinVar:

ClinVar aggregate classification (germline): Uncertain significance (1 of 4 stars; one submission).

Submission:

GeneDx
Classification: Uncertain significance. Last evaluated: 2021-04-05. Review status: criteria provided, single submitter. Criteria: GeneDx Variant Classification Process June 2021. Collection method: clinical testing. Allele origin: germline. Affected: yes.
Comment: Not observed in large population cohorts (Lek et al., 2016); In silico analysis, which includes protein predictors and evolutionary conservation, supports a deleterious effect; Has not been previously published as pathogenic or benign to our knowledge

NM_001845.6(COL4A1):c.4235C>A (p.Pro1412His)

Gene: COL4A1 (collagen type IV alpha 1 chain; minus strand). Cytogenetic location: 13q34.
Variant type: single nucleotide variant.
Coding change: c.4235C>A on transcript NM_001845.6 (MANE Select); coding-DNA position 4235, C replaced by A.
Protein change: p.Pro1412His; replaces proline 1412 with histidine.
Molecular consequence: missense variant.
Genome position (GRCh38, 1-based): chr13:110,163,477, G>T on the plus strand (C>A on the coding strand, the complement: COL4A1 is on the minus strand). VCF-style: chr13-110163477-G-T. GRCh37 (hg19) VCF-style: chr13-110815824-G-T.
Other names: short protein forms P1412H.
Identifiers: ClinVar variation 1316941 (VCV001316941.2), dbSNP rs2139147388, ClinGen allele CA388659206.